The following is an entry in ClinVar:

ClinVar aggregate classification (germline): Pathogenic/Likely pathogenic. Review status: criteria provided, multiple submitters, no conflicts (2 of 4 stars). 3 submissions from 3 submitters: Pathogenic (2); Likely pathogenic (1). Last evaluated 2022-02-18.

Conditions:
Cystic fibrosis (CF). Also called: MUCOVISCIDOSIS. Identifiers: Orphanet 586, MedGen C0010674, MONDO:0009061, OMIM 219700. Disease mechanism: loss of function.

Submissions (3):

Ambry Genetics
Classification: Pathogenic for Cystic fibrosis. Last evaluated: 2022-02-18. Review status: criteria provided, single submitter. Criteria: Ambry Variant Classification Scheme 2023. Collection method: clinical testing. Allele origin: germline.
Comment: The p.Y919* pathogenic mutation (also known as c.2757C>G), located in coding exon 17 of the CFTR gene, results from a C to G substitution at nucleotide position 2757. This changes the amino acid from a tyrosine to a stop codon within coding exon 17. This variant is considered to be rare based on population cohorts in the Genome Aggregation Database (gnomAD). This alteration is expected to result in loss of function by premature protein truncation or nonsense-mediated mRNA decay. As such, this alteration is interpreted as a disease-causing mutation.

Myriad Genetics, Inc.
Classification: Likely pathogenic for Cystic fibrosis. Last evaluated: 2019-05-14. Review status: criteria provided, single submitter. Criteria: Myriad Women's Health Autosomal Recessive and X-Linked Classification Criteria (2019). Collection method: clinical testing. Allele origin: unknown.
Comment: NM_000492.3(CFTR):c.2757C>G(Y919*) is expected to be pathogenic in the context of cystic fibrosis. This variant is predicted to lead to an abnormal or absent protein product due to the creation of a premature termination codon in CFTR, a gene where loss-of-function variants are known to be pathogenic. Please note: this variant was assessed in the context of healthy population screening.

Labcorp Genetics (formerly Invitae), Labcorp
Classification: Pathogenic for Cystic fibrosis. Last evaluated: 2018-09-11. Review status: criteria provided, single submitter. Criteria: Invitae Variant Classification Sherloc (09022015). Collection method: clinical testing. Allele origin: germline.
Comment: For these reasons, this variant has been classified as Pathogenic. Loss-of-function variants in CFTR are known to be pathogenic (PMID: 1695717, 7691345, 9725922). This variant has not been reported in the literature in individuals with CFTR-related disease. This variant is not present in population databases (ExAC no frequency). This sequence change creates a premature translational stop signal (p.Tyr919*) in the CFTR gene. It is expected to result in an absent or disrupted protein product.

Literature cited by the submitters: PubMed 1695717 (cited by Labcorp Genetics (formerly Invitae), Labcorp); PubMed 7691345 (cited by Labcorp Genetics (formerly Invitae), Labcorp); PubMed 9725922 (cited by Labcorp Genetics (formerly Invitae), Labcorp).

NM_000492.4(CFTR):c.2757C>G (p.Tyr919Ter)

Gene: CFTR (CF transmembrane conductance regulator; plus strand). Cytogenetic location: 7q31.2.
Variant type: single nucleotide variant.
Coding change: c.2757C>G on transcript NM_000492.4 (MANE Select); coding-DNA position 2757, C replaced by G.
Protein change: p.Tyr919Ter; replaces tyrosine 919 with a stop codon.
Molecular consequence: nonsense.
Genome position (GRCh38, 1-based): chr7:117,603,631, C>G. VCF-style: chr7-117603631-C-G. GRCh37 (hg19) VCF-style: chr7-117243685-C-G.
Other names: short protein forms Y919*.
Identifiers: ClinVar variation 663482 (VCV000663482.11), dbSNP rs1408746819, ClinGen allele CA368986670.
Genomic context (GRCh38, chr7:117,603,631, plus strand): 5'-AAATAACAGCTATGCAGTGATTATCACCAGCACCAGTTCGTATTATGTGTTTTACATTTA[C>G]GTGGGAGTAGCCGACACTTTGCTTGCTATGGGATTCTTCAGAGGTCTACCACTGGTGCAT-3'